The following is an entry in ClinVar:

ClinVar aggregate classification (germline): Uncertain significance (1 of 4 stars; one submission).

Conditions:
EGFR-related lung cancer (EGFR). Identifiers: MedGen CN130014.

Submission:

Labcorp Genetics (formerly Invitae), Labcorp
Classification: Uncertain significance for EGFR-related lung cancer. Last evaluated: 2020-10-08. Review status: criteria provided, single submitter. Criteria: Invitae Variant Classification Sherloc (09022015). Collection method: clinical testing. Allele origin: germline.
Comment: Algorithms developed to predict the effect of missense changes on protein structure and function are either unavailable or do not agree on the potential impact of this missense change (SIFT: "Deleterious"; PolyPhen-2: "Benign"; Align-GVGD: "Class C0"). This sequence change replaces valine with alanine at codon 30 of the EGFR protein (p.Val30Ala). The valine residue is moderately conserved and there is a small physicochemical difference between valine and alanine. This variant is not present in population databases (ExAC no frequency). This variant has not been reported in the literature in individuals with EGFR-related conditions. In summary, the available evidence is currently insufficient to determine the role of this variant in disease. Therefore, it has been classified as a Variant of Uncertain Significance.

NM_005228.5(EGFR):c.89T>C (p.Val30Ala)

Gene: EGFR (epidermal growth factor receptor; plus strand). Cytogenetic location: 7p11.2.
Variant type: single nucleotide variant.
Coding change: c.89T>C on transcript NM_005228.5 (MANE Select); coding-DNA position 89, T replaced by C.
Protein change: p.Val30Ala; replaces valine 30 with alanine.
Molecular consequence: missense variant. On other transcripts: 5 prime UTR variant (1), intron variant (1).
Genome position (GRCh38, 1-based): chr7:55,142,286, T>C. VCF-style: chr7-55142286-T-C. GRCh37 (hg19) VCF-style: chr7-55209979-T-C.
Other names: c.89T>C, p.Val30Ala (NM_001346897.2, NM_001346898.2, NM_001346899.2 and 3 more transcripts); c.-71T>C (NM_001346900.2); c.89-13544T>C (NM_001346941.2); short protein forms V30A.
Identifiers: ClinVar variation 1011404 (VCV001011404.7), dbSNP rs1794501851, ClinGen allele CA367574045.